The following is an entry in ClinVar:

NM_000360.4(TH):c.646G>A (p.Gly216Ser)

Gene: TH (tyrosine hydroxylase; minus strand). Cytogenetic location: 11p15.5.
Variant type: single nucleotide variant.
Coding change: c.646G>A on transcript NM_000360.4 (MANE Select); coding-DNA position 646, G replaced by A.
Protein change: p.Gly216Ser; replaces glycine 216 with serine.
Molecular consequence: missense variant.
Genome position (GRCh38, 1-based): chr11:2,167,484, C>T on the plus strand (G>A on the coding strand, the complement: TH is on the minus strand). VCF-style: chr11-2167484-C-T. GRCh37 (hg19) VCF-style: chr11-2188714-C-T.
Other names: c.739G>A, p.Gly247Ser (NM_199292.3); c.727G>A, p.Gly243Ser (NM_199293.3); short protein forms G243S, G247S, G216S.
Identifiers: ClinVar variation 948892 (VCV000948892.28), dbSNP rs762304556, ClinGen allele CA5818546.

ClinVar aggregate classification (germline): Pathogenic/Likely pathogenic. Review status: criteria provided, multiple submitters, no conflicts (2 of 4 stars). 11 submissions from 11 submitters: Pathogenic (8); Likely pathogenic (3). Last evaluated 2026-05-01.

Conditions:
TH-deficient dopa-responsive dystonia. Also called: Segawa syndrome, autosomal recessive; DYT-TH; Tyrosine Hydroxylase-Deficient Dopa-Responsive Dystonia. Identifiers: Orphanet 101150, MedGen C2673535, MONDO:0011551, OMIM 605407.
Dystonia 5 (DRD). Also called: Dystonia, DOPA-responsive, with or without hyperphenylalaninemia; GTP Cyclohydrolase 1-Deficient Dopa-Responsive Dystonia; DYT-GCH1; DYSTONIA, PROGRESSIVE, WITH DIURNAL VARIATION; DYSTONIA-PARKINSONISM WITH DIURNAL FLUCTUATION. Identifiers: Orphanet 98808, MedGen C1851920, MONDO:0007495, OMIM 128230.
Autosomal recessive DOPA responsive dystonia. Also called: Tyrosine hydroxylase deficiency. Identifiers: MedGen C5700309, MONDO:0100064.

Allele frequency attached by ClinVar (database versions not stated): gnomAD 0.00001; ExAC 0.00005; gnomAD exomes 0.00007; TOPMed 0.00007.
gnomAD v4.1: 22 of 1,559,098 alleles (0.0014%); highest among the groups gnomAD compares: Admixed American, 0.019%; no homozygotes.

Submissions (11):

CeGaT Center for Human Genetics Tuebingen
Classification: Pathogenic. Last evaluated: 2026-05-01. Review status: criteria provided, single submitter. Criteria: CeGaT Center For Human Genetics Tuebingen Variant Classification Criteria Version 2. Collection method: clinical testing. Allele origin: germline. Affected: yes. Observed: 1 variant allele.
Comment: TH: PM3:Very Strong, PM2, PP3, PS3:Supporting

Labcorp Genetics (formerly Invitae), Labcorp
Classification: Pathogenic for TH-deficient dopa-responsive dystonia. Last evaluated: 2026-01-19. Review status: criteria provided, single submitter. Criteria: Invitae Variant Classification Sherloc (09022015). Collection method: clinical testing. Allele origin: germline.
Comment: This sequence change replaces glycine, which is neutral and non-polar, with serine, which is neutral and polar, at codon 247 of the TH protein (p.Gly247Ser). This variant is present in population databases (rs762304556, gnomAD 0.02%). This missense change has been observed in individual(s) with dopa-responsive dystonia (PMID: 18554280, 20056467, 28087438, 29405179). In at least one individual the data is consistent with being in trans (on the opposite chromosome) from a pathogenic variant. This variant is also known as Gly216Ser. ClinVar contains an entry for this variant (Variation ID: 948892). An algorithm developed to predict the effect of missense changes on protein structure and function (PolyPhen-2) suggests that this variant is likely to be disruptive. Experimental studies have shown that this missense change affects TH function (PMID: 24753243). Algorithms developed to predict the effect of sequence changes on RNA splicing suggest that this variant may create or strengthen a splice site. For these reasons, this variant has been classified as Pathogenic.

Natera, Inc.
Classification: Pathogenic for Autosomal recessive Segawa syndrome. Last evaluated: 2026-01-11. Review status: criteria provided, single submitter. Criteria: Natera Variant Classification Schema (03/2026). Collection method: clinical testing. Allele origin: germline.
Comment: The c.739G>A variant in TH is a missense variant predicted to cause substitution of glycine to serine at amino acid 247. This variant is rare in the general population with a frequency below the threshold expected for the associated phenotype(s). This variant has been observed in one or more individuals affected with the associated recessive disease, as either homozygous or compound heterozygous with a second variant (PMID: 32185155, 29405179, 34054692). Computational prediction algorithms indicate this variant is likely to affect gene or protein function. Given the available evidence, this variant is classified as Pathogenic.

Rady Children's Institute for Genomic Medicine, Rady Children's Hospital San Diego
Classification: Pathogenic for Tyrosine hydroxylase deficiency. Last evaluated: 2024-12-20. Review status: criteria provided, single submitter. Criteria: ACMG Guidelines, 2015. Collection method: clinical testing. Allele origin: germline. Affected: yes.
Comment: This variant is also referred to as c.646G>A (p.Gly216Ser) in the literature. The c.739G>A (p.Gly247Ser) variant affects a highly conserved amino acid and is predicted by multiple in silico tools to have a deleterious effect on protein function. This variant has been previously reported as compound heterozygous change in patients with tyrosine hydroxylase deficiency (PMID: 18554280, 32872068, 38010701, 38693247, 38492469, 32185155). Functional studies indicate this variant may lead to reduced tyrosine hydroxylase activity and substrate specificity as well as lower stability (PMID: 24753243). The c.739G>A (p.Gly247Ser) variant is present in the latest version of the gnomAD population database at an allele frequency of 0.001% (20/1559098), and is absent in the homozygous state, thus is presumed to be rare. Based on the available evidence, c.739G>A (p.Gly247Ser) is classified as Pathogenic.

GeneDx
Classification: Pathogenic. Last evaluated: 2024-10-31. Review status: criteria provided, single submitter. Criteria: GeneDx Variant Classification Process June 2021. Collection method: clinical testing. Allele origin: germline.
Comment: Reported previously in the compound heterozygous state in patients with dystonia (PMID: 34054692); Reported previously in a patient with lower limb dystonia and a patient with limb twitching, hypotonia, and global delay; both patients harbored a second variant (phase unknown) (PMID: 20056467); Published functional studies show that this variant causes impaired thermal stability, decreased tyrosine hydroxylase activity, and shifts substrate specificity from Tyrosine to Phenylalanine and Dopa (PMID: 24753243); In silico analysis supports that this missense variant has a deleterious effect on protein structure/function; In silico analysis also supports a deleterious effect on splicing; This variant is associated with the following publications: (PMID: 27619486, 18554280, 32005694, 29405179, 32872068, 24753243, 37840187, 34054692, 20056467, 32185155, 38010701, 38492469)

Fulgent Genetics
Classification: Likely pathogenic for TH-deficient dopa-responsive dystonia. Last evaluated: 2024-04-08. Review status: criteria provided, single submitter. Criteria: ACMG Guidelines, 2015. Collection method: clinical testing. Allele origin: germline.

Baylor Genetics
Classification: Pathogenic for TH-deficient dopa-responsive dystonia. Last evaluated: 2024-02-28. Review status: criteria provided, single submitter. Criteria: ACMG Guidelines, 2015. Collection method: clinical testing. Allele origin: unknown.

Women's Health and Genetics/Laboratory Corporation of America, LabCorp
Classification: Pathogenic for TH-deficient dopa-responsive dystonia. Last evaluated: 2021-08-19. Review status: criteria provided, single submitter. Criteria: LabCorp Variant Classification Summary - May 2015. Collection method: clinical testing. Allele origin: germline.
Comment: Variant summary: TH c.739G>A (p.Gly247Ser) results in a non-conservative amino acid change in the encoded protein sequence. Five of five in-silico tools predict a damaging effect of the variant on protein function. The variant allele was found at a frequency of 6.6e-05 in 165638 control chromosomes. This frequency is not significantly higher than expected for a pathogenic variant in TH causing Segawa Syndrome, Autosomal Recessive (6.6e-05 vs 0.0011), allowing no conclusion about variant significance. c.739G>A has been reported in the literature in multiple individuals affected with Segawa Syndrome (otherwise known as autosomal recessive dopa-responsive dystonia; Wu_2008, Mak_2010, Zhang_2017, Yang_2018, Chen_2020). Experimental evidence has shown the variant to result in reduced substrate specificity, residual activity and significantly lower stability (Fossabkk_2014). Two clinical diagnostic laboratories have submitted clinical-significance assessments for this variant to ClinVar after 2014 without evidence for independent evaluation. All laboratories classified the variant as pathogenic/likely pathogenic. Based on the evidence outlined above, the variant was classified as pathogenic.

Revvity Omics, Revvity
Classification: Likely pathogenic for TH-deficient dopa-responsive dystonia. Last evaluated: 2021-08-07. Review status: criteria provided, single submitter. Criteria: ACMG Guidelines, 2015. Collection method: clinical testing. Allele origin: germline.

NxGen MDx
Classification: Likely pathogenic for Dystonia 5. Last evaluated: 2021-03-30. Review status: criteria provided, single submitter. Criteria: ACMG Guidelines, 2015. Collection method: clinical testing. Allele origin: unknown.
Comment: This missense variant (c.739G>A) causes a protein change (p.Gly247Ser) at the second codon of exon 7 in the TH gene. Fossbakk et al. PMID: 24753243 indicated pathogenicity through functional studies showing that the substrate specificity and residual activity is diminished with significantly lower stability (PS3). Additional cases have been reported in PMID: 29405179 and 28087438. Some literature refers to this variant as G216S. In silico models for this variant have indicated numerous disease causing or damaging interpretations (PP3). We interpret c.739G>A to be likely pathogenic.

Juno Genomics, Hangzhou Juno Genomics, Inc
Classification: Pathogenic for TH-deficient dopa-responsive dystonia. Review status: criteria provided, single submitter. Criteria: ACMG Guidelines, 2015. Collection method: clinical testing. Allele origin: germline.
Comment: Absent from controls (or at extremely low frequency if recessive) in Genome Aggregation Database.;Well-established in vitro or in vivo functional studies supportive of a damaging effect on the gene or gene product.;For recessive disorders, detected in trans with a pathogenic variant.;Patient's phenotype or family history is highly specific for a disease with a single genetic etiology.

Literature cited by the submitters: PubMed 18554280 (cited by 3 submitters); PubMed 20056467 (cited by Labcorp Genetics (formerly Invitae), Labcorp and Women's Health and Genetics/Laboratory Corporation of America, LabCorp); PubMed 28087438 (cited by 3 submitters); PubMed 29405179 (cited by 4 submitters); PubMed 24753243 (cited by 3 submitters); PubMed 32185155 (cited by 3 submitters); PubMed 34054692 (cited by Natera, Inc.); PubMed 32872068 (cited by Rady Children's Institute for Genomic Medicine, Rady Children's Hospital San Diego); PubMed 38010701 (cited by Rady Children's Institute for Genomic Medicine, Rady Children's Hospital San Diego); PubMed 38693247 (cited by Rady Children's Institute for Genomic Medicine, Rady Children's Hospital San Diego); PubMed 38492469 (cited by Rady Children's Institute for Genomic Medicine, Rady Children's Hospital San Diego).